The following is an entry in ClinVar:

NM_006389.5(HYOU1):c.472C>T (p.Arg158Cys)

Gene: HYOU1 (hypoxia up-regulated 1; minus strand). Cytogenetic location: 11q23.3.
Variant type: single nucleotide variant.
Coding change: c.472C>T on transcript NM_006389.5 (MANE Select); coding-DNA position 472, C replaced by T.
Protein change: p.Arg158Cys; replaces arginine 158 with cysteine.
Molecular consequence: missense variant.
Genome position (GRCh38, 1-based): chr11:119,055,008, G>A on the plus strand (C>T on the coding strand, the complement: HYOU1 is on the minus strand). VCF-style: chr11-119055008-G-A. GRCh37 (hg19) VCF-style: chr11-118925720-G-A.
Other names: c.472C>T, p.Arg158Cys (NM_001130991.3, NM_001411041.1); short protein forms R158C.
Identifiers: ClinVar variation 3001717 (VCV003001717.3), dbSNP rs781789542, ClinGen allele CA229648465.
Genomic context (GRCh38, chr11:119,055,008, plus strand): 5'-GAGCCTGGCCCTAAGGGCCCCACCTTGACCACTCACCTGCAAAATCTTCAGCTAGAGAAC[G>A]AGAATAATTGAGAACCATGCCCAACACTTCCTCAGGTGAGAACTGCAGCTGCCTGAGGGG-3'
Protein context (NP_006380.1, residues 148-168): EVLGMVLNYS[Arg158Cys]SLAEDFAEQP

ClinVar aggregate classification (germline): Uncertain significance (1 of 4 stars; one submission).

Allele frequency attached by ClinVar (database versions not stated): TOPMed below 0.00001; gnomAD exomes 0.00001.
gnomAD v4.1: 8 of 1,614,068 alleles (0.0005%); highest among the groups gnomAD compares: South Asian, 0.0055%; no homozygotes.

Submission:

Labcorp Genetics (formerly Invitae), Labcorp
Classification: Uncertain significance. Last evaluated: 2022-10-31. Review status: criteria provided, single submitter. Criteria: Invitae Variant Classification Sherloc (09022015). Collection method: clinical testing. Allele origin: germline.
Comment: In summary, the available evidence is currently insufficient to determine the role of this variant in disease. Therefore, it has been classified as a Variant of Uncertain Significance. Algorithms developed to predict the effect of missense changes on protein structure and function are either unavailable or do not agree on the potential impact of this missense change (SIFT: "Not Available"; PolyPhen-2: "Possibly Damaging"; Align-GVGD: "Not Available"). This variant has not been reported in the literature in individuals affected with HYOU1-related conditions. This variant is present in population databases (rs781789542, gnomAD 0.006%). This sequence change replaces arginine, which is basic and polar, with cysteine, which is neutral and slightly polar, at codon 158 of the HYOU1 protein (p.Arg158Cys).